The following is an entry in ClinVar:

ClinVar aggregate classification (germline): Uncertain significance (0 of 4 stars; one submission).

Conditions:
HSPE1-related condition.

Submission:

PreventionGenetics, part of Exact Sciences
Classification: Uncertain significance for HSPE1-related condition. Last evaluated: 2024-09-13. Review status: no assertion criteria provided. Collection method: clinical testing. Allele origin: germline.
Comment: The HSPE1 c.110C>G variant is predicted to result in the amino acid substitution p.Ser37Cys. To our knowledge, this variant has not been reported in the literature or in a large population database, indicating this variant is rare. At this time, the clinical significance of this variant is uncertain due to the absence of conclusive functional and genetic evidence.

NM_002157.3(HSPE1):c.110C>G (p.Ser37Cys)

Genes: HSPE1 (heat shock protein family E (Hsp10) member 1; plus strand), HSPE1-MOB4 (HSPE1-MOB4 readthrough; plus strand). Cytogenetic location: 2q33.1.
Variant type: single nucleotide variant.
Coding change: c.110C>G on transcript NM_002157.3 (MANE Select); coding-DNA position 110, C replaced by G.
Protein change: p.Ser37Cys; replaces serine 37 with cysteine.
Molecular consequence: missense variant.
Genome position (GRCh38, 1-based): chr2:197,501,180, C>G. VCF-style: chr2-197501180-C-G. GRCh37 (hg19) VCF-style: chr2-198365904-C-G.
Other names: c.110C>G, p.Ser37Cys (NM_001202485.2); short protein forms S37C.
Identifiers: ClinVar variation 3345287 (VCV003345287.1).